The following is an entry in ClinVar:

NM_003611.3(OFD1):c.2519T>C (p.Met840Thr)

Gene: OFD1 (OFD1 centriole and centriolar satellite protein; plus strand). Cytogenetic location: Xp22.2.
Variant type: single nucleotide variant.
Coding change: c.2519T>C on transcript NM_003611.3 (MANE Select); coding-DNA position 2519, T replaced by C.
Protein change: p.Met840Thr; replaces methionine 840 with threonine.
Molecular consequence: missense variant.
Genome position (GRCh38, 1-based): chrX:13,763,775, T>C. VCF-style: chrX-13763775-T-C. GRCh37 (hg19) VCF-style: chrX-13781894-T-C.
Other names: c.2399T>C, p.Met800Thr (NM_001330209.2); c.2099T>C, p.Met700Thr (NM_001330210.2); short protein forms M700T, M800T, M840T.
Identifiers: ClinVar variation 2925541 (VCV002925541.4), dbSNP rs941770640, ClinGen allele CA326121844.

ClinVar aggregate classification (germline): Uncertain significance. Review status: criteria provided, multiple submitters, no conflicts (2 of 4 stars). 2 submissions from 2 submitters: Uncertain significance (2). Last evaluated 2025-12-10.

Conditions:
Joubert syndrome. Also called: CEREBELLOPARENCHYMAL DISORDER IV; JOUBERT-BOLTSHAUSER SYNDROME; Familial aplasia of the vermis. Identifiers: Orphanet 475, MedGen C5979921, MONDO:0018772.
Orofaciodigital syndrome I (OFD1). Also called: OFDS I; Papillon-Leage and Psaume Syndrome; Oral-Facial-Digital Syndrome Type I. Identifiers: Orphanet 2750, MedGen C1510460, MONDO:0010702, OMIM 311200.
Simpson-Golabi-Behmel syndrome type 2. Identifiers: Orphanet 79022, MedGen C1846175, MONDO:0010265, OMIM 300209.
Joubert syndrome 10 (JBTS10). Identifiers: Orphanet 2754, MedGen C2749019, MONDO:0010431, OMIM 300804.
Retinitis pigmentosa 23 (RP23). Identifiers: Orphanet 791, MedGen C1419610, MONDO:0010320, OMIM 300424.

Allele frequency attached by ClinVar (database versions not stated): gnomAD exomes 0.00001.
gnomAD v4.1: 10 of 1,211,328 alleles (0.00083%); highest among the groups gnomAD compares: Non-Finnish European, 0.0011%; no homozygotes.

Submissions (2):

Labcorp Genetics (formerly Invitae), Labcorp
Classification: Uncertain significance for Orofaciodigital syndrome I; Joubert syndrome. Last evaluated: 2025-12-10. Review status: criteria provided, single submitter. Criteria: Invitae Variant Classification Sherloc (09022015). Collection method: clinical testing. Allele origin: germline.
Comment: This sequence change replaces methionine, which is neutral and non-polar, with threonine, which is neutral and polar, at codon 840 of the OFD1 protein (p.Met840Thr). This variant is not present in population databases (gnomAD no frequency). This variant has not been reported in the literature in individuals affected with OFD1-related conditions. ClinVar contains an entry for this variant (Variation ID: 2925541). Invitae Evidence Modeling of protein sequence and biophysical properties (such as structural, functional, and spatial information, amino acid conservation, physicochemical variation, residue mobility, and thermodynamic stability) indicates that this missense variant is not expected to disrupt OFD1 protein function with a negative predictive value of 80%. In summary, the available evidence is currently insufficient to determine the role of this variant in disease. Therefore, it has been classified as a Variant of Uncertain Significance.

Fulgent Genetics
Classification: Uncertain significance for Simpson-Golabi-Behmel syndrome type 2; Retinitis pigmentosa 23; Joubert syndrome 10; Orofaciodigital syndrome I. Last evaluated: 2024-02-12. Review status: criteria provided, single submitter. Criteria: ACMG Guidelines, 2015. Collection method: clinical testing. Allele origin: germline.